The following is an entry in ClinVar:

ClinVar aggregate classification (germline): Uncertain significance (1 of 4 stars; one submission).

Allele frequency attached by ClinVar (database versions not stated): gnomAD exomes below 0.00001; TOPMed 0.00002; gnomAD 0.00004.
gnomAD v4.1: 6 of 1,204,718 alleles (0.0005%); highest among the groups gnomAD compares: African/African-American, 0.007%; no homozygotes.

Submission:

Women's Health and Genetics/Laboratory Corporation of America, LabCorp
Classification: Uncertain significance. Last evaluated: 2024-03-18. Review status: criteria provided, single submitter. Criteria: LabCorp Variant Classification Summary - May 2015. Collection method: clinical testing. Allele origin: germline.
Comment: Variant summary: ZNF711 c.1283G>A (p.Ser428Asn) results in a conservative amino acid change located in the Zinc finger C2H2 type (IPR013087) of the encoded protein sequence. Four of five in-silico tools predict a benign effect of the variant on protein function. The variant allele was found at a frequency of 4.6e-05 in 21914 control chromosomes, including 1 hemizygote. The available data on variant occurrences in the general population are insufficient to allow any conclusion about variant significance. To our knowledge, no occurrence of c.1283G>A in individuals affected with X-Linked Intellectual Disability 97 and no experimental evidence demonstrating its impact on protein function have been reported. No submitters have cited clinical-significance assessments for this variant to ClinVar. Based on the evidence outlined above, the variant was classified as uncertain significance.

NM_001330574.2(ZNF711):c.1421G>A (p.Ser474Asn)

Gene: ZNF711 (zinc finger protein 711; plus strand). Cytogenetic location: Xq21.1.
Variant type: single nucleotide variant.
Coding change: c.1421G>A on transcript NM_001330574.2 (MANE Select); coding-DNA position 1421, G replaced by A.
Protein change: p.Ser474Asn; replaces serine 474 with asparagine.
Molecular consequence: missense variant.
Genome position (GRCh38, 1-based): chrX:85,270,825, G>A. VCF-style: chrX-85270825-G-A. GRCh37 (hg19) VCF-style: chrX-84525831-G-A.
Other names: c.1421G>A, p.Ser474Asn (NM_001375431.1, NM_001375432.1, NM_001375433.1); c.1283G>A, p.Ser428Asn (NM_001375434.1, NM_001375435.1, NM_001375436.1 and 2 more transcripts); short protein forms S428N, S474N.
Identifiers: ClinVar variation 3233906 (VCV003233906.2), dbSNP rs1423965048, ClinGen allele CA413772965.